The following is an entry in ClinVar:

ClinVar aggregate classification (germline): Pathogenic (1 of 4 stars; one submission).

Conditions:
Inborn genetic diseases. Identifiers: MedGen C0950123, MeSH D030342.

Submission:

Ambry Genetics
Classification: Pathogenic for Inborn genetic diseases. Last evaluated: 2025-04-11. Review status: criteria provided, single submitter. Criteria: Ambry Variant Classification Scheme 2023. Collection method: clinical testing. Allele origin: germline.
Comment: The c.1568dupA (p.Y523*) alteration, located in coding exon 7 of the CTCF gene, consists of a duplication of A at position 1568. This changes the amino acid from a tyrosine to a stop codon at amino acid position 523. This alteration is expected to result in loss of function by premature protein truncation or nonsense-mediated mRNA decay. This variant was not reported in population-based cohorts in the Genome Aggregation Database (gnomAD). Based on the available evidence, this alteration is classified as pathogenic.

NM_006565.4(CTCF):c.1568dup (p.Tyr523Ter)

Gene: CTCF (CCCTC-binding factor; plus strand). Cytogenetic location: 16q22.1.
Variant type: Duplication.
Coding change: c.1568dup on transcript NM_006565.4 (MANE Select); coding-DNA position 1568, one base duplicated (A; older notation c.1568dupA).
Protein change: p.Tyr523Ter; replaces tyrosine 523 with a stop codon.
Molecular consequence: nonsense. On other transcripts: frameshift variant (1).
Genome position (GRCh38, 1-based): chr16:67,628,419, A duplicated. VCF-style (leftmost placement, unchanged base first): chr16-67628418-T-TA. GRCh37 (hg19) VCF-style: chr16-67662321-T-TA.
Other names: c.584dup, p.Tyr195Ter (NM_001191022.2); c.1568dup, p.Tyr523Terfs (NM_001363916.2); short protein forms Y523*, Y195*.
Identifiers: ClinVar variation 4007875 (VCV004007875.1).